The following is an entry in ClinVar:

ClinVar aggregate classification (germline): Likely benign. Review status: criteria provided, multiple submitters, no conflicts (2 of 4 stars). 2 submissions from 2 submitters: Likely benign (2). Last evaluated 2025-03-01.

Conditions:
Hereditary cancer-predisposing syndrome. Also called: Neoplastic Syndromes, Hereditary; Tumor predisposition; Hereditary Cancer Syndrome; Hereditary neoplastic syndrome. Identifiers: Orphanet 140162, MedGen C0027672, MeSH D009386, MONDO:0015356.

Allele frequency attached by ClinVar (database versions not stated): ExAC 0.00002.

Submissions (2):

CeGaT Center for Human Genetics Tuebingen
Classification: Likely benign. Last evaluated: 2025-03-01. Review status: criteria provided, single submitter. Criteria: CeGaT Center For Human Genetics Tuebingen Variant Classification Criteria Version 2. Collection method: clinical testing. Allele origin: germline. Affected: yes. Observed: 1 variant allele.
Comment: GREM1: BP4, BP7

Ambry Genetics
Classification: Likely benign for Hereditary cancer-predisposing syndrome. Last evaluated: 2022-02-13. Review status: criteria provided, single submitter. Criteria: Ambry Variant Classification Scheme 2023. Collection method: clinical testing. Allele origin: germline.

NM_013372.7(GREM1):c.60G>A (p.Pro20=)

Gene: GREM1 (gremlin 1, DAN family BMP antagonist; plus strand). Cytogenetic location: 15q13.3.
Variant type: single nucleotide variant.
Coding change: c.60G>A on transcript NM_013372.7 (MANE Select); coding-DNA position 60, G replaced by A.
Protein change: p.Pro20=; no amino-acid change (proline 20 retained).
Molecular consequence: synonymous variant. On other transcripts: intron variant (1).
Genome position (GRCh38, 1-based): chr15:32,730,750, G>A. VCF-style: chr15-32730750-G-A. GRCh37 (hg19) VCF-style: chr15-33022951-G-A.
Other names: c.60G>A, p.Pro20= (NM_001191323.2, NM_001368719.1); c.27+33G>A (NM_001191322.2).
Identifiers: ClinVar variation 3226279 (VCV003226279.8), dbSNP rs759636569, ClinGen allele CA7456100.